The following is an entry in ClinVar:

ClinVar aggregate classification (germline): Uncertain significance (1 of 4 stars; one submission).

Conditions:
ALMS1-related disorder. Also called: ALMS1-related condition.

Submission:

PreventionGenetics, part of Exact Sciences
Classification: Uncertain significance for ALMS1-related condition. Last evaluated: 2023-11-22. Review status: criteria provided, single submitter. Criteria: ACMG Guidelines, 2015. Collection method: clinical testing. Allele origin: germline.
Comment: The ALMS1 c.8846C>A variant is predicted to result in the amino acid substitution p.Pro2949His. To our knowledge, this variant has not been reported in the literature or in a large population database, indicating this variant is rare. At this time, the clinical significance of this variant is uncertain due to the absence of conclusive functional and genetic evidence.

NM_001378454.1(ALMS1):c.8843C>A (p.Pro2948His)

Gene: ALMS1 (ALMS1 centrosome and basal body associated protein; plus strand). Cytogenetic location: 2p13.1.
Variant type: single nucleotide variant.
Coding change: c.8843C>A on transcript NM_001378454.1 (MANE Select); coding-DNA position 8843, C replaced by A.
Protein change: p.Pro2948His; replaces proline 2948 with histidine.
Molecular consequence: missense variant.
Genome position (GRCh38, 1-based): chr2:73,490,802, C>A. VCF-style: chr2-73490802-C-A. GRCh37 (hg19) VCF-style: chr2-73717929-C-A.
Other names: c.8846C>A, p.Pro2949His (NM_015120.4); short protein forms P2948H, P2949H.
Identifiers: ClinVar variation 3040364 (VCV003040364.1), dbSNP rs1239507884, ClinGen allele CA347270880.
Genomic context (GRCh38, chr2:73,490,802, plus strand): 5'-AACTCTTTGAACAGTGCAAAGCCCCATATGTAGATCATCAAATGAGAGAAAACCATTCTC[C>A]CCTTCCTCAAGGTCAGGATTCTATAGCTTCAGACCTTCCGTCTCCCATTTCTCTTGAACA-3'
Protein context (NP_001365383.1, residues 2938-2958): VDHQMRENHS[Pro2948His]LPQGQDSIAS